The following is an entry in ClinVar:

ClinVar aggregate classification (germline): Likely pathogenic (0 of 4 stars; one submission).

Conditions:
Amyotrophic lateral sclerosis type 6. Also called: FUS-Related Amyotrophic Laterial Sclerosis; AMYOTROPHIC LATERAL SCLEROSIS 6 WITHOUT FRONTOTEMPORAL DEMENTIA; Amyotrophic lateral sclerosis 6, with or without frontotemporal dementia. Identifiers: Orphanet 275872, Orphanet 803, MedGen C2931786, MONDO:0011951, OMIM 608030.

Submission:

Department of Research, Sir Ganga Ram Hospital
Classification: Likely pathogenic for Amyotrophic lateral sclerosis type 6. Last evaluated: 2023-03-13. Review status: no assertion criteria provided. Collection method: research. Allele origin: de novo. Affected: yes. Observed: 1 heterozygote.

NM_004960.4(FUS):c.1468dup (p.Asp490fs)

Gene: FUS (FUS RNA binding protein; plus strand). Cytogenetic location: 16p11.2.
Variant type: Duplication.
Coding change: c.1468dup on transcript NM_004960.4 (MANE Select); coding-DNA position 1468, one base duplicated (G; older notation c.1468dupG).
Protein change: p.Asp490fs; shifts the reading frame from aspartic acid 490.
Molecular consequence: frameshift variant. On other transcripts: non-coding transcript variant (1).
Genome position (GRCh38, 1-based): chr16:31,191,037, G duplicated; the last of 4 consecutive G bases (chr16:31,191,034-31,191,037); duplicating any one gives the same sequence. VCF-style (leftmost placement, unchanged base first): chr16-31191033-C-CG. GRCh37 (hg19) VCF-style: chr16-31202354-C-CG.
Other names: c.1465dup, p.Asp489fs (NM_001170634.1); c.1456dup, p.Asp486fs (NM_001170937.1); c.1465dupG (NM_004960.4); short protein forms D486fs, D489fs, D490fs.
Identifiers: ClinVar variation 2444451 (VCV002444451.2), dbSNP rs2544279181, ClinGen allele CA2580091534.